The following is an entry in ClinVar:

NM_003235.5(TG):c.7123G>A (p.Gly2375Arg)

Gene: TG (thyroglobulin; plus strand). Cytogenetic location: 8q24.22.
Variant type: single nucleotide variant.
Coding change: c.7123G>A on transcript NM_003235.5 (MANE Select); coding-DNA position 7123, G replaced by A.
Protein change: p.Gly2375Arg; replaces glycine 2375 with arginine.
Molecular consequence: missense variant.
Genome position (GRCh38, 1-based): chr8:133,029,907, G>A. VCF-style: chr8-133029907-G-A. GRCh37 (hg19) VCF-style: chr8-134042152-G-A.
Other names: G2356R; short protein forms G2375R.
Identifiers: ClinVar variation 12703 (VCV000012703.4), dbSNP rs137854434, ClinGen allele CA210709.

ClinVar aggregate classification (germline): Pathogenic/Likely pathogenic. Review status: criteria provided, multiple submitters, no conflicts (2 of 4 stars). 3 submissions from 3 submitters: Pathogenic (1); Likely pathogenic (1). 1 of the submissions does not count toward it. Last evaluated 2024-03-20.

Conditions:
Autoimmune thyroid disease, susceptibility to, 3. Identifiers: MedGen C1842444, MONDO:0011982, OMIM 608175.
Iodotyrosyl coupling defect (TDH3). Also called: THYROID HORMONOGENESIS, GENETIC DEFECT IN, 3; HYPOTHYROIDISM, CONGENITAL, DUE TO DYSHORMONOGENESIS, 3. Identifiers: Orphanet 95716, MedGen C0342194, MONDO:0010135, OMIM 274700.
TG-related disorder. Also called: TG-related condition; TG-related disorders.

Allele frequency attached by ClinVar (database versions not stated): gnomAD 0.00001 and 0.00003; TOPMed 0.00001; gnomAD exomes 0.00002; ExAC 0.00003.
gnomAD v4.1: 25 of 1,614,082 alleles (0.0015%); highest among the groups gnomAD compares: South Asian, 0.013%; no homozygotes.

Submissions (3):

Fulgent Genetics
Classification: Likely pathogenic for Iodotyrosyl coupling defect; Autoimmune thyroid disease, susceptibility to, 3. Last evaluated: 2024-03-20. Review status: criteria provided, single submitter. Criteria: ACMG Guidelines, 2015. Collection method: clinical testing. Allele origin: germline.

Women's Health and Genetics/Laboratory Corporation of America, LabCorp
Classification: Pathogenic for TG-Related Disorders. Last evaluated: 2024-03-20. Review status: criteria provided, single submitter. Criteria: LabCorp Variant Classification Summary - May 2015. Collection method: clinical testing. Allele origin: germline.
Comment: Variant summary: TG c.7123G>A (p.Gly2375Arg) results in a non-conservative amino acid change located in the Carboxylesterase, type B domain (IPR002018) of the encoded protein sequence. Five of five in-silico tools predict a damaging effect of the variant on protein function. The variant allele was found at a frequency of 2e-05 in 249726 control chromosomes (gnomAD). c.7123G>A has been reported in the literature in individuals affected with congenital hypothyroidism (e.g. Hishinuma_2005, 2006, Vasudevan_2017, Long_2018, Oliver-Petit_2021). These data indicate that the variant is likely to be associated with disease. Publications report experimental evidence evaluating an impact on protein function, finding that the variant results in defective intracellular transport and incomplete glycosylation processing (Kanou_2007, De Jaco_2012). The following publications have been ascertained in the context of this evaluation (PMID: 16187918, 16720658, 17244789, 30022773, 34248839, 23035660, 28620499). ClinVar contains an entry for this variant (Variation ID: 12703). Based on the evidence outlined above, the variant was classified as pathogenic.

OMIM
Classification: Pathogenic for THYROID DYSHORMONOGENESIS 3. Last evaluated: 2007-04-01. Review status: no assertion criteria provided. Collection method: literature only. Allele origin: germline. Not counted in ClinVar's aggregate classification.

Literature cited by the submitters: PubMed 30022773 (cited by Women's Health and Genetics/Laboratory Corporation of America, LabCorp); PubMed 34248839 (cited by Women's Health and Genetics/Laboratory Corporation of America, LabCorp); PubMed 23035660 (cited by Women's Health and Genetics/Laboratory Corporation of America, LabCorp); PubMed 16720658 (cited by Women's Health and Genetics/Laboratory Corporation of America, LabCorp); PubMed 16187918 (cited by Women's Health and Genetics/Laboratory Corporation of America, LabCorp and OMIM); PubMed 17244789 (cited by Women's Health and Genetics/Laboratory Corporation of America, LabCorp and OMIM); PubMed 28620499 (cited by Women's Health and Genetics/Laboratory Corporation of America, LabCorp).